The following is an entry in ClinVar:

NM_001122955.4(BSCL2):c.968G>T (p.Trp323Leu)

Genes: BSCL2 (BSCL2 lipid droplet biogenesis associated, seipin; minus strand), HNRNPUL2-BSCL2 (HNRNPUL2-BSCL2 readthrough (NMD candidate); minus strand). Cytogenetic location: 11q12.3.
Variant type: single nucleotide variant.
Coding change: c.968G>T on transcript NM_001122955.4 (MANE Select); coding-DNA position 968, G replaced by T.
Protein change: p.Trp323Leu; replaces tryptophan 323 with leucine.
Molecular consequence: missense variant. On other transcripts: non-coding transcript variant (1), intron variant (1).
Genome position (GRCh38, 1-based): chr11:62,691,317, C>A on the plus strand (G>T on the coding strand, the complement: BSCL2 is on the minus strand). VCF-style: chr11-62691317-C-A. GRCh37 (hg19) VCF-style: chr11-62458789-C-A.
Other names: c.968G>T, p.Trp323Leu (NM_001386027.1, NM_001386028.1); c.776G>T, p.Trp259Leu (NM_032667.6); c.672-176G>T (NM_001130702.2); c.968G>T (NM_001122955.3); short protein forms W323L, W259L.
Identifiers: ClinVar variation 289075 (VCV000289075.20), dbSNP rs367783346, ClinGen allele CA6053399.

ClinVar aggregate classification (germline): Uncertain significance. Review status: criteria provided, multiple submitters, no conflicts (2 of 4 stars). 7 submissions from 7 submitters: Uncertain significance (7). Last evaluated 2025-12-23.

Conditions:
Hereditary spastic paraplegia 17. Also called: Silver spastic paraplegia syndrome; Spastic Paraplegia 17; Autosomal dominant spastic paraplegia type 17; Silver Syndrome; SPASTIC PARAPLEGIA WITH AMYOTROPHY OF HANDS AND FEET. Identifiers: Orphanet 100998, MedGen C2931276, MONDO:0010043, OMIM 270685.
Congenital generalized lipodystrophy type 2 (CGL2). Also called: BERARDINELLI SYNDROME; BRUNZELL SYNDROME, BSCL2-RELATED; SEIP SYNDROME; Berardinelli-Seip Congenital Lipodystrophy Type 2. Identifiers: Orphanet 528, Orphanet 696289, MedGen C1720863, MONDO:0010020, OMIM 269700.
Neuronopathy, distal hereditary motor, type 5C. Also called: NEURONOPATHY, DISTAL HEREDITARY MOTOR, AUTOSOMAL DOMINANT 13; NEURONOPATHY, DISTAL HEREDITARY MOTOR, HARDING TYPE VC; NEUROPATHY, DISTAL HEREDITARY MOTOR, HARDING TYPE VC; SPINAL MUSCULAR ATROPHY, DISTAL, HARDING TYPE VC; DHMN VC. Identifiers: MedGen C5436838, MONDO:0030860, OMIM 619112.
Severe neurodegenerative syndrome with lipodystrophy. Also called: ENCEPHALOPATHY, PROGRESSIVE, WITH LIPODYSTROPHY; Encephalopathy, progressive, with or without lipodystrophy. Identifiers: Orphanet 363400, MedGen C4014700, MONDO:0014402, OMIM 615924.
BSCL2-related disorder. Also called: BSCL2-related condition; BSCL2-Related Disorders.
Inborn genetic diseases. Identifiers: MedGen C0950123, MeSH D030342.
Charcot-Marie-Tooth disease type 2. Also called: Charcot-Marie-Tooth type 2. Identifiers: Orphanet 64746, MedGen C0270914, MONDO:0018993.
Lipodystrophy. Also called: Lipodystrophy (disease). Identifiers: MedGen C0023787, MONDO:0006573, HP:0009125.

Allele frequency attached by ClinVar (database versions not stated): ExAC 0.00007; TOPMed 0.00009; 1000 Genomes Project 0.00040; 1000 Genomes Project 30x 0.00047.
gnomAD v4.1: 60 of 1,614,178 alleles (0.0037%); highest among the groups gnomAD compares: East Asian, 0.033%; no homozygotes.

Submissions (7):

PreventionGenetics, part of Exact Sciences
Classification: Uncertain significance for BSCL2-related condition. Last evaluated: 2025-12-23. Review status: criteria provided, single submitter. Criteria: ACMG Guidelines, 2015. Collection method: clinical testing. Allele origin: germline.
Comment: The BSCL2 c.968G>T variant is predicted to result in the amino acid substitution p.Trp323Leu. Of note, this variant can also be referred to as c.776G>T (p.Trp259Leu) in an alternate transcript, NM_032667. This variant is predicted to impact splicing based on splicing prediction programs (SpliceAI, Jaganathan et al. 2019. PubMed ID: 30661751). However, the use of computer prediction programs is not equivalent to functional evidence. This variant has been reported as a variant of uncertain significance in a large cohort study of dyslipidemias (Table S4, Dron et al. 2020. PubMed ID: 32041611). This variant is reported in 0.035% of alleles in individuals of East Asian descent in gnomAD. At this time, the clinical significance of this variant is uncertain due to the absence of conclusive functional and genetic evidence.

Labcorp Genetics (formerly Invitae), Labcorp
Classification: Uncertain significance for Charcot-Marie-Tooth disease type 2. Last evaluated: 2025-09-07. Review status: criteria provided, single submitter. Criteria: Invitae Variant Classification Sherloc (09022015). Collection method: clinical testing. Allele origin: germline.
Comment: This sequence change replaces tryptophan, which is neutral and slightly polar, with leucine, which is neutral and non-polar, at codon 259 of the BSCL2 protein (p.Trp259Leu). This variant is present in population databases (rs367783346, gnomAD 0.04%). This missense change has been observed in individual(s) with clinical features of BSCL2-related conditions (PMID: 32041611). ClinVar contains an entry for this variant (Variation ID: 289075). Invitae Evidence Modeling of protein sequence and biophysical properties (such as structural, functional, and spatial information, amino acid conservation, physicochemical variation, residue mobility, and thermodynamic stability) indicates that this missense variant is not expected to disrupt BSCL2 protein function with a negative predictive value of 80%. In summary, the available evidence is currently insufficient to determine the role of this variant in disease. Therefore, it has been classified as a Variant of Uncertain Significance.

Fulgent Genetics
Classification: Uncertain significance for Congenital generalized lipodystrophy type 2; Hereditary spastic paraplegia 17; Severe neurodegenerative syndrome with lipodystrophy; Neuronopathy, distal hereditary motor, type 5C. Last evaluated: 2024-01-20. Review status: criteria provided, single submitter. Criteria: ACMG Guidelines, 2015. Collection method: clinical testing. Allele origin: germline.

GeneDx
Classification: Uncertain significance. Last evaluated: 2022-08-26. Review status: criteria provided, single submitter. Criteria: GeneDx Variant Classification Process June 2021. Collection method: clinical testing. Allele origin: germline. Affected: yes.
Comment: Reported previously as a variant of uncertain significance in a cohort of patients with dyslipidemia and metabolic disorders; however detailed clinical information and segregation was not provided (Dron et al., 2020); In silico analysis supports that this missense variant has a deleterious effect on protein structure/function; This variant is associated with the following publications: (PMID: 32041611)

Department of Pathology and Laboratory Medicine, Sinai Health System
Classification: Uncertain significance for lipodystrophy. Last evaluated: 2021-09-16. Review status: criteria provided, single submitter. Criteria: ACMG Guidelines, 2015. Collection method: research. Allele origin: germline.

Ambry Genetics
Classification: Uncertain significance for Inborn genetic diseases. Last evaluated: 2021-07-16. Review status: criteria provided, single submitter. Criteria: Ambry Variant Classification Scheme 2023. Collection method: clinical testing. Allele origin: germline.
Comment: The p.W259L variant (also known as c.776G>T), located in coding exon 6 of the BSCL2 gene, results from a G to T substitution at nucleotide position 776. The tryptophan at codon 259 is replaced by leucine, an amino acid with similar properties. This amino acid position is highly conserved in available vertebrate species. In addition, the in silico prediction for this alteration is inconclusive. Based on the supporting evidence, this variant is unlikely to be causative of autosomal dominant BSCL2-related neurologic disorders; however, its contribution to the development of autosomal recessive BSCL2-related syndrome is uncertain.

Eurofins Ntd Llc (ga)
Classification: Uncertain significance. Last evaluated: 2016-07-14. Review status: criteria provided, single submitter. Criteria: EGL Classification Definitions 2015. Collection method: clinical testing. Allele origin: germline. Observed: 1 variant allele, 1 heterozygote.

Literature cited by the submitters: PubMed 32041611 (cited by Labcorp Genetics (formerly Invitae), Labcorp and Ambry Genetics).